The following is an entry in ClinVar:

ClinVar aggregate classification (germline): Uncertain significance (1 of 4 stars; one submission).

Conditions:
Autosomal dominant Parkinson disease 8. Also called: Parkinson disease 8, susceptibility to; LRRK2-Related Parkinson Disease; Parkinson disease 8. Identifiers: Orphanet 411602, MedGen C1846862, MONDO:0011764, OMIM 607060.

Allele frequency attached by ClinVar (database versions not stated): gnomAD exomes 0.00003; ExAC 0.00004; ESP Exome Variant Server 0.00008.
gnomAD v4.1: 48 of 1,612,576 alleles (0.003%); highest among the groups gnomAD compares: Middle Eastern, 0.066%; no homozygotes.

Submission:

Labcorp Genetics (formerly Invitae), Labcorp
Classification: Uncertain significance for Autosomal dominant Parkinson disease 8. Last evaluated: 2021-08-15. Review status: criteria provided, single submitter. Criteria: Invitae Variant Classification Sherloc (09022015). Collection method: clinical testing. Allele origin: germline.
Comment: Algorithms developed to predict the effect of missense changes on protein structure and function (SIFT, PolyPhen-2, Align-GVGD) all suggest that this variant is likely to be tolerated. This sequence change replaces leucine with isoleucine at codon 2439 of the LRRK2 protein (p.Leu2439Ile). The leucine residue is highly conserved and there is a small physicochemical difference between leucine and isoleucine. This variant is present in population databases (rs72547983, ExAC 0.01%). This missense change has been observed in individuals with Parkinson disease (PMID: 19800393; Invitae). In summary, the available evidence is currently insufficient to determine the role of this variant in disease. Therefore, it has been classified as a Variant of Uncertain Significance.

Literature cited by the submitters: PubMed 19800393.

NM_198578.4(LRRK2):c.7315C>A (p.Leu2439Ile)

Gene: LRRK2 (leucine rich repeat kinase 2; plus strand). Cytogenetic location: 12q12.
Variant type: single nucleotide variant.
Coding change: c.7315C>A on transcript NM_198578.4 (MANE Select); coding-DNA position 7315, C replaced by A.
Protein change: p.Leu2439Ile; replaces leucine 2439 with isoleucine.
Molecular consequence: missense variant.
Genome position (GRCh38, 1-based): chr12:40,364,975, C>A. VCF-style: chr12-40364975-C-A. GRCh37 (hg19) VCF-style: chr12-40758777-C-A.
Other names: short protein forms L2439I.
Identifiers: ClinVar variation 1390927 (VCV001390927.6), dbSNP rs72547983, ClinGen allele CA6514895.